The following is an entry in ClinVar:

NM_001122769.3(LCA5):c.1272G>C (p.Lys424Asn)

Gene: LCA5 (lebercilin LCA5; minus strand). Cytogenetic location: 6q14.1.
Variant type: single nucleotide variant.
Coding change: c.1272G>C on transcript NM_001122769.3 (MANE Select); coding-DNA position 1272, G replaced by C.
Protein change: p.Lys424Asn; replaces lysine 424 with asparagine.
Molecular consequence: missense variant.
Genome position (GRCh38, 1-based): chr6:79,487,826, C>G on the plus strand (G>C on the coding strand, the complement: LCA5 is on the minus strand). VCF-style: chr6-79487826-C-G. GRCh37 (hg19) VCF-style: chr6-80197543-C-G.
Other names: c.1272G>C, p.Lys424Asn (NM_181714.4); short protein forms K424N.
Identifiers: ClinVar variation 843503 (VCV000843503.11), dbSNP rs1769715546, ClinGen allele CA364641268.

ClinVar aggregate classification (germline): Uncertain significance (1 of 4 stars; one submission).

Submission:

Labcorp Genetics (formerly Invitae), Labcorp
Classification: Uncertain significance. Last evaluated: 2022-03-17. Review status: criteria provided, single submitter. Criteria: Invitae Variant Classification Sherloc (09022015). Collection method: clinical testing. Allele origin: germline.
Comment: In summary, the available evidence is currently insufficient to determine the role of this variant in disease. Therefore, it has been classified as a Variant of Uncertain Significance. Algorithms developed to predict the effect of missense changes on protein structure and function output the following: SIFT: "Tolerated"; PolyPhen-2: "Benign"; Align-GVGD: "Class C0". The asparagine amino acid residue is found in multiple mammalian species, which suggests that this missense change does not adversely affect protein function. ClinVar contains an entry for this variant (Variation ID: 843503). This variant has not been reported in the literature in individuals affected with LCA5-related conditions. This variant is not present in population databases (gnomAD no frequency). This sequence change replaces lysine, which is basic and polar, with asparagine, which is neutral and polar, at codon 424 of the LCA5 protein (p.Lys424Asn).